The following is an entry in ClinVar:

ClinVar aggregate classification (germline): Likely benign. Review status: criteria provided, single submitter (1 of 4 stars). 2 submissions from 2 submitters: Likely benign (1). 1 of the submissions does not count toward it. Last evaluated 2025-09-19.

Conditions:
SIM1-related disorder. Also called: SIM1-related condition; SIM1-related disorders.

Allele frequency attached by ClinVar (database versions not stated): gnomAD exomes below 0.00001 and 0.00001; ExAC 0.00001; gnomAD 0.00004; TOPMed 0.00007.
gnomAD v4.1: 12 of 1,614,022 alleles (0.00074%); highest among the groups gnomAD compares: African/African-American, 0.011%; no homozygotes.

Submissions (2):

Labcorp Genetics (formerly Invitae), Labcorp
Classification: Likely benign. Last evaluated: 2025-09-19. Review status: criteria provided, single submitter. Criteria: Invitae Variant Classification Sherloc (09022015). Collection method: clinical testing. Allele origin: germline.

PreventionGenetics, part of Exact Sciences
Classification: Likely benign for SIM1-related condition. Last evaluated: 2021-12-29. Review status: no assertion criteria provided. Collection method: clinical testing. Allele origin: germline. Not counted in ClinVar's aggregate classification.
Comment: This variant is classified as likely benign based on ACMG/AMP sequence variant interpretation guidelines (Richards et al. 2015 PMID: 25741868, with internal and published modifications).

NM_005068.3(SIM1):c.1782C>T (p.Ser594=)

Gene: SIM1 (SIM bHLH transcription factor 1; minus strand). Cytogenetic location: 6q16.3.
Variant type: single nucleotide variant.
Coding change: c.1782C>T on transcript NM_005068.3 (MANE Select); coding-DNA position 1782, C replaced by T.
Protein change: p.Ser594=; no amino-acid change (serine 594 retained).
Molecular consequence: synonymous variant.
Genome position (GRCh38, 1-based): chr6:100,390,880, G>A on the plus strand (C>T on the coding strand, the complement: SIM1 is on the minus strand). VCF-style: chr6-100390880-G-A. GRCh37 (hg19) VCF-style: chr6-100838756-G-A.
Other names: c.1782C>T, p.Ser594= (NM_001374769.1).
Identifiers: ClinVar variation 796934 (VCV000796934.7), dbSNP rs759371897, ClinGen allele CA3936943.